The following is an entry in ClinVar:

ClinVar aggregate classification (germline): Pathogenic. Review status: criteria provided, single submitter (1 of 4 stars). 2 submissions from 2 submitters: Pathogenic (1). 1 of the submissions does not count toward it. Last evaluated 2022-11-29.

Conditions:
Retinal dystrophy. Also called: Inherited retinal dystrophy. Identifiers: Orphanet 71862, MedGen C0854723, MeSH D058499, MONDO:0019118, HP:0000556.

Allele frequency attached by ClinVar (database versions not stated): gnomAD exomes below 0.00001.
gnomAD v4.1: 2 of 1,609,558 alleles (0.00012%); highest among the groups gnomAD compares: Non-Finnish European, 0.00017%; no homozygotes.

Submissions (2):

Labcorp Genetics (formerly Invitae), Labcorp
Classification: Pathogenic. Last evaluated: 2022-11-29. Review status: criteria provided, single submitter. Criteria: Invitae Variant Classification Sherloc (09022015). Collection method: clinical testing. Allele origin: germline.
Comment: For these reasons, this variant has been classified as Pathogenic. ClinVar contains an entry for this variant (Variation ID: 861206). This variant has not been reported in the literature in individuals affected with ADGRV1-related conditions. This variant is not present in population databases (gnomAD no frequency). This sequence change creates a premature translational stop signal (p.Gln2088*) in the ADGRV1 gene. It is expected to result in an absent or disrupted protein product. Loss-of-function variants in ADGRV1 are known to be pathogenic (PMID: 19357117, 22135276, 22147658, 26226137, 30718709, 31047384, 32467589).

Institute of Human Genetics, Univ. Regensburg, Univ. Regensburg
Classification: Pathogenic for Retinal dystrophy. Last evaluated: 2019-01-01. Review status: no assertion criteria provided. Criteria: ACMG Guidelines, 2015. Collection method: clinical testing. Allele origin: germline. Affected: yes. Not counted in ClinVar's aggregate classification.

Literature cited by the submitters: PubMed 19357117 (cited by Labcorp Genetics (formerly Invitae), Labcorp); PubMed 22135276 (cited by Labcorp Genetics (formerly Invitae), Labcorp); PubMed 22147658 (cited by Labcorp Genetics (formerly Invitae), Labcorp); PubMed 26226137 (cited by Labcorp Genetics (formerly Invitae), Labcorp); PubMed 30718709 (cited by Labcorp Genetics (formerly Invitae), Labcorp); PubMed 31047384 (cited by Labcorp Genetics (formerly Invitae), Labcorp); PubMed 32467589 (cited by Labcorp Genetics (formerly Invitae), Labcorp).

NM_032119.4(ADGRV1):c.6262C>T (p.Gln2088Ter)

Gene: ADGRV1 (adhesion G protein-coupled receptor V1; plus strand). Cytogenetic location: 5q14.3.
Variant type: single nucleotide variant.
Coding change: c.6262C>T on transcript NM_032119.4 (MANE Select); coding-DNA position 6262, C replaced by T.
Protein change: p.Gln2088Ter; replaces glutamine 2088 with a stop codon.
Molecular consequence: nonsense. On other transcripts: non-coding transcript variant (1).
Genome position (GRCh38, 1-based): chr5:90,684,183, C>T. VCF-style: chr5-90684183-C-T. GRCh37 (hg19) VCF-style: chr5-89980000-C-T.
Other names: short protein forms Q2088*.
Identifiers: ClinVar variation 861206 (VCV000861206.8), dbSNP rs1745312538, ClinGen allele CA360414478.